The following is an entry in ClinVar:

NM_198578.4(LRRK2):c.4762C>T (p.Pro1588Ser)

Gene: LRRK2 (leucine rich repeat kinase 2; plus strand). Cytogenetic location: 12q12.
Variant type: single nucleotide variant.
Coding change: c.4762C>T on transcript NM_198578.4 (MANE Select); coding-DNA position 4762, C replaced by T.
Protein change: p.Pro1588Ser; replaces proline 1588 with serine.
Molecular consequence: missense variant.
Genome position (GRCh38, 1-based): chr12:40,315,235, C>T. VCF-style: chr12-40315235-C-T. GRCh37 (hg19) VCF-style: chr12-40709037-C-T.
Other names: short protein forms P1588S.
Identifiers: ClinVar variation 3540778 (VCV003540778.1).

ClinVar aggregate classification (germline): Uncertain significance (1 of 4 stars; one submission).

Conditions:
Inborn genetic diseases. Identifiers: MedGen C0950123, MeSH D030342.

gnomAD v4.1: 1 of 1,612,384 alleles (0.000062%); highest among the groups gnomAD compares: Non-Finnish European, 0.000085%; no homozygotes.

Submission:

Ambry Genetics
Classification: Uncertain significance for Inborn genetic diseases. Last evaluated: 2024-11-11. Review status: criteria provided, single submitter. Criteria: Ambry Variant Classification Scheme 2023. Collection method: clinical testing. Allele origin: germline.
Comment: The p.P1588S variant (also known as c.4762C>T), located in coding exon 33 of the LRRK2 gene, results from a C to T substitution at nucleotide position 4762. The proline at codon 1588 is replaced by serine, an amino acid with similar properties. This amino acid position is conserved. In addition, the in silico prediction for this alteration is inconclusive. Based on the available evidence, the clinical significance of this variant remains unclear.